The following is an entry in ClinVar:

NM_006279.5(ST3GAL3):c.303-9A>G

Gene: ST3GAL3 (ST3 beta-galactoside alpha-2,3-sialyltransferase 3; plus strand). Cytogenetic location: 1p34.1.
Variant type: single nucleotide variant.
Coding change: c.303-9A>G on transcript NM_006279.5 (MANE Select); 9 bases into the intron before coding-DNA position 303, A replaced by G.
Molecular consequence: intron variant.
Genome position (GRCh38, 1-based): chr1:43,894,374, A>G. VCF-style: chr1-43894374-A-G. GRCh37 (hg19) VCF-style: chr1-44360046-A-G.
Other names: c.510-9A>G (NM_174963.5); c.348-9A>G (NM_001350619.2, NM_174964.4, NM_174965.4); c.300-9A>G (NM_001270465.3, NM_001270463.3); c.465-9A>G (NM_174968.5, NM_001363573.2); c.24-9A>G (NM_001350621.2); c.303-9A>G (NM_001350620.2, NM_001270459.2, NM_174966.4 and 1 more transcripts); c.210-9A>G (NM_001270460.2); c.417-9A>G (NM_174971.5); and 3 more.
Identifiers: ClinVar variation 530639 (VCV000530639.13), dbSNP rs762536905, ClinGen allele CA814654.

ClinVar aggregate classification (germline): Conflicting classifications of pathogenicity. Review status: criteria provided, conflicting classifications (1 of 4 stars). 2 submissions from 2 submitters: Uncertain significance (1); Likely benign (1). Last evaluated 2026-01-27.

Conditions:
Early-infantile DEE. Also called: Early infantile epileptic encephalopathy; Early infantile epileptic encephalopathy with suppression bursts; Ohtahara syndrome. Identifiers: Orphanet 1934, MedGen C0393706, MONDO:0800491.
Developmental and epileptic encephalopathy, 15 (DEE15). Also called: Early infantile epileptic encephalopathy 15. Identifiers: Orphanet 3451, MedGen C3554316, MONDO:0014003, OMIM 615006.

Allele frequency attached by ClinVar (database versions not stated): gnomAD 0.00001; gnomAD exomes 0.00001 and 0.00005; ExAC 0.00002; TOPMed 0.00010.
gnomAD v4.1: 16 of 1,613,754 alleles (0.00099%); highest among the groups gnomAD compares: Admixed American, 0.025%; no homozygotes.

Submissions (2):

Labcorp Genetics (formerly Invitae), Labcorp
Classification: Likely benign for Early-infantile DEE. Last evaluated: 2026-01-27. Review status: criteria provided, single submitter. Criteria: Invitae Variant Classification Sherloc (09022015). Collection method: clinical testing. Allele origin: germline.

Baylor Genetics
Classification: Uncertain significance for Developmental and epileptic encephalopathy, 15. Last evaluated: 2018-02-23. Review status: criteria provided, single submitter. Criteria: ACMG Guidelines, 2015. Collection method: clinical testing. Allele origin: maternal. Affected: yes.
Comment: This variant was determined to be of uncertain significance according to ACMG Guidelines, 2015 [PMID:25741868].